The following is an entry in ClinVar:

NM_001376013.1(EPB41):c.2024_2025del (p.Gln675fs)

Gene: EPB41 (erythrocyte membrane protein band 4.1; plus strand). Cytogenetic location: 1p35.3.
Variant type: Deletion.
Coding change: c.2024_2025del on transcript NM_001376013.1 (MANE Select); coding-DNA positions 2024 to 2025, 2 bases deleted (AA; older notation c.2024_2025delAA).
Protein change: p.Gln675fs; shifts the reading frame from glutamine 675.
Molecular consequence: frameshift variant.
Genome position (GRCh38, 1-based): chr1:29,064,998-29,064,999, AA deleted. VCF-style (leftmost placement, unchanged base first): chr1-29064997-CAA-C. GRCh37 (hg19) VCF-style: chr1-29391509-CAA-C.
Other names: c.2024_2025del, p.Gln675fs (NM_001166005.2, NM_001376016.1, NM_001376017.1 and 1 more transcripts); c.1982_1983del, p.Gln661fs (NM_001166006.2); c.1235_1236del, p.Gln412fs (NM_001166007.2, NM_001376027.1); c.1919_1920del, p.Gln640fs (NM_001376014.1, NM_001376015.1); c.2021_2022del, p.Gln674fs (NM_001376018.1, NM_001376020.1); c.1862_1863del, p.Gln621fs (NM_001376021.1); c.1397_1398del, p.Gln466fs (NM_001376022.1, NM_001376023.1, NM_001376024.1 and 1 more transcripts); c.1289_1290del, p.Gln430fs (NM_001376026.1); and 4 more; short protein forms Q411fs, Q412fs, Q430fs, Q433fs, Q452fs, Q466fs, Q586fs, Q621fs.
Identifiers: ClinVar variation 4880681 (VCV004880681.2).

ClinVar aggregate classification (germline): Likely pathogenic (1 of 4 stars; one submission).

Conditions:
Elliptocytosis 1 (EL1). Also called: 4.1- TRAIT; 4.1-MINUS TRAIT; ELLIPTOCYTOSIS, RHESUS-LINKED TYPE; PROTEIN 4.1 OF ERYTHROCYTE MEMBRANE, DEFECT OF. Identifiers: Orphanet 288, MedGen C2678497, MONDO:0012731, OMIM 611804.

Submission:

Dasa
Classification: Likely pathogenic for Elliptocytosis 1. Last evaluated: 2026-01-26. Review status: criteria provided, single submitter. Criteria: DASA Assertion Criteria. Collection method: clinical testing. Allele origin: germline.
Comment: NM_001376013.1(EPB41):c.2024_2025del (p.Gln675Argfs*12) is a frameshift variant in EPB41 predicted to alter the reading frame and introduce a premature termination codon and is predicted to result in an absent or altered protein product. Loss of function is an established disease mechanism for EPB41-associated disorders. Also, this variant is rare in population databases. Based on the currently available evidence, this variant is classified as likely pathogenic.